The following is an entry in ClinVar:

ClinVar aggregate classification (germline): Uncertain significance (1 of 4 stars; one submission).

Conditions:
Neuronal ceroid lipofuscinosis 11. Also called: GRN-Related Neuronal Ceroid-Lipofuscinosis. Identifiers: Orphanet 314629, Orphanet 79262, MedGen C3539123, MONDO:0013866, OMIM 614706.
GRN-related frontotemporal lobar degeneration with Tdp43 inclusions (FTD2). Also called: DEMENTIA, HEREDITARY DYSPHASIC DISINHIBITION; FRONTOTEMPORAL LOBAR DEGENERATION WITH UBIQUITIN-POSITIVE INCLUSIONS; FTLD-TDP, GRN-RELATED; GRN Frontotemporal Dementia; FRONTOTEMPORAL DEMENTIA WITH TDP43 INCLUSIONS, GRN-RELATED. Identifiers: Orphanet 100070, Orphanet 282, MedGen C1843792, MONDO:0011842, OMIM 607485. Disease mechanism: loss of function.

Submission:

Labcorp Genetics (formerly Invitae), Labcorp
Classification: Uncertain significance for Neuronal ceroid lipofuscinosis 11; GRN-related frontotemporal lobar degeneration with Tdp43 inclusions. Last evaluated: 2022-04-04. Review status: criteria provided, single submitter. Criteria: Invitae Variant Classification Sherloc (09022015). Collection method: clinical testing. Allele origin: germline.
Comment: This sequence change replaces alanine, which is neutral and non-polar, with valine, which is neutral and non-polar, at codon 211 of the GRN protein (p.Ala211Val). This variant is not present in population databases (gnomAD no frequency). This variant has not been reported in the literature in individuals affected with GRN-related conditions. Algorithms developed to predict the effect of missense changes on protein structure and function are either unavailable or do not agree on the potential impact of this missense change (SIFT: "Deleterious"; PolyPhen-2: "Benign"; Align-GVGD: "Class C0"). In summary, the available evidence is currently insufficient to determine the role of this variant in disease. Therefore, it has been classified as a Variant of Uncertain Significance.

NM_002087.4(GRN):c.632C>T (p.Ala211Val)

Gene: GRN (granulin precursor; plus strand). Cytogenetic location: 17q21.31.
Variant type: single nucleotide variant.
Coding change: c.632C>T on transcript NM_002087.4 (MANE Select); coding-DNA position 632, C replaced by T.
Protein change: p.Ala211Val; replaces alanine 211 with valine.
Molecular consequence: missense variant.
Genome position (GRCh38, 1-based): chr17:44,350,724, C>T. VCF-style: chr17-44350724-C-T. GRCh37 (hg19) VCF-style: chr17-42428092-C-T.
Other names: short protein forms A211V.
Identifiers: ClinVar variation 2071765 (VCV002071765.4), dbSNP rs2510055935, ClinGen allele CA399764212.